The following is an entry in ClinVar:

ClinVar aggregate classification (germline): Benign (0 of 4 stars; one submission).

Conditions:
UVSSA-related disorder. Also called: UVSSA-related condition.

Allele frequency attached by ClinVar (database versions not stated): 1000 Genomes Project 30x 0.17848; 1000 Genomes Project 0.18231; TOPMed 0.26886; ESP Exome Variant Server 0.28247; gnomAD 0.28656; ExAC 0.36756; gnomAD exomes 0.37119.
gnomAD v4.1: 579,963 of 1,602,512 alleles (36%); highest among the groups gnomAD compares: Non-Finnish European, 40%; 112,141 homozygotes.

Submission:

PreventionGenetics, part of Exact Sciences
Classification: Benign for UVSSA-related condition. Last evaluated: 2019-09-24. Review status: no assertion criteria provided. Collection method: clinical testing. Allele origin: germline.
Comment: This variant is classified as benign based on ACMG/AMP sequence variant interpretation guidelines (Richards et al. 2015 PMID: 25741868, with internal and published modifications).

NM_020894.4(UVSSA):c.1497G>A (p.Ala499=)

Gene: UVSSA (UV stimulated scaffold protein A; plus strand). Cytogenetic location: 4p16.3.
Variant type: single nucleotide variant.
Coding change: c.1497G>A on transcript NM_020894.4 (MANE Select); coding-DNA position 1497, G replaced by A.
Protein change: p.Ala499=; no amino-acid change (alanine 499 retained).
Molecular consequence: synonymous variant.
Genome position (GRCh38, 1-based): chr4:1,376,097, G>A. VCF-style: chr4-1376097-G-A. GRCh37 (hg19) VCF-style: chr4-1369885-G-A.
Other names: c.1497G>A, p.Ala499= (NM_001317934.2, NM_001317935.2).
Identifiers: ClinVar variation 3058857 (VCV003058857.2), dbSNP rs11724369, ClinGen allele CA2806160.